The following is an entry in ClinVar:

NM_000318.3(PEX2):c.641A>G (p.Gln214Arg)

Gene: PEX2 (peroxisomal biogenesis factor 2; minus strand). Cytogenetic location: 8q21.13.
Variant type: single nucleotide variant.
Coding change: c.641A>G on transcript NM_000318.3 (MANE Select); coding-DNA position 641, A replaced by G.
Protein change: p.Gln214Arg; replaces glutamine 214 with arginine.
Molecular consequence: missense variant.
Genome position (GRCh38, 1-based): chr8:76,983,538, T>C on the plus strand (A>G on the coding strand, the complement: PEX2 is on the minus strand). VCF-style: chr8-76983538-T-C. GRCh37 (hg19) VCF-style: chr8-77895774-T-C.
Other names: c.641A>G, p.Gln214Arg (NM_001079867.2, NM_001172086.2, NM_001172087.2); short protein forms Q214R.
Identifiers: ClinVar variation 3708240 (VCV003708240.2).

ClinVar aggregate classification (germline): Uncertain significance (1 of 4 stars; one submission).

Conditions:
Peroxisome biogenesis disorder 5A (Zellweger) (PBD5A). Identifiers: Orphanet 912, MedGen C3553940, MONDO:0013932, OMIM 614866.

gnomAD v4.1: 4 of 1,614,102 alleles (0.00025%); highest among the groups gnomAD compares: South Asian, 0.0044%; no homozygotes.

Submission:

Labcorp Genetics (formerly Invitae), Labcorp
Classification: Uncertain significance for Peroxisome biogenesis disorder 5A (Zellweger). Last evaluated: 2024-08-06. Review status: criteria provided, single submitter. Criteria: Invitae Variant Classification Sherloc (09022015). Collection method: clinical testing. Allele origin: germline.
Comment: This sequence change replaces glutamine, which is neutral and polar, with arginine, which is basic and polar, at codon 214 of the PEX2 protein (p.Gln214Arg). This variant is not present in population databases (gnomAD no frequency). This variant has not been reported in the literature in individuals affected with PEX2-related conditions. Advanced modeling of protein sequence and biophysical properties (such as structural, functional, and spatial information, amino acid conservation, physicochemical variation, residue mobility, and thermodynamic stability) performed at Invitae indicates that this missense variant is not expected to disrupt PEX2 protein function with a negative predictive value of 80%. In summary, the available evidence is currently insufficient to determine the role of this variant in disease. Therefore, it has been classified as a Variant of Uncertain Significance.